The following is an entry in ClinVar:

ClinVar aggregate classification (germline): Benign. Review status: criteria provided, multiple submitters, no conflicts (2 of 4 stars). 2 submissions from 2 submitters: Benign (2). Last evaluated 2018-01-13.

Conditions:
Microphthalmia, syndromic 9. Also called: ANOPHTHALMIA, CLINICAL, WITH MILD FACIAL DYSMORPHISM AND VARIABLE MALFORMATIONS OF THE LUNG, HEART, AND DIAPHRAGM; ANOPHTHALMIA/MICROPHTHALMIA AND PULMONARY HYPOPLASIA; Matthew-Wood syndrome; PULMONARY AGENESIS, MICROPHTHALMIA, AND DIAPHRAGMATIC DEFECT; SPEAR SYNDROME. Identifiers: Orphanet 2470, MedGen C1832661, MONDO:0011010, OMIM 601186.

Allele frequency attached by ClinVar (database versions not stated): gnomAD exomes 0.00248; gnomAD 0.02554 and 0.02762; 1000 Genomes Project 0.02616; 1000 Genomes Project 30x 0.02795; TOPMed 0.02859.
gnomAD v4.1: 3,865 of 154,022 alleles (2.5%); highest among the groups gnomAD compares: African/African-American, 8.6%; 179 homozygotes.

Submissions (2):

Illumina Laboratory Services, Illumina
Classification: Benign for Microphthalmia, syndromic 9. Last evaluated: 2018-01-13. Review status: criteria provided, single submitter. Criteria: ICSL Variant Classification Criteria 13 December 2019. Collection method: clinical testing. Allele origin: germline.
Comment: This variant was observed in the ICSL laboratory as part of a predisposition screen in an ostensibly healthy population. It had not been previously curated by ICSL or reported in the Human Gene Mutation Database (HGMD: prior to June 1st, 2018), and was therefore a candidate for classification through an automated scoring system. Utilizing variant allele frequency, disease prevalence and penetrance estimates, and inheritance mode, an automated score was calculated to assess if this variant is too frequent to cause the disease. Based on the score and internal cut-off values, a variant classified as benign is not then subjected to further curation. The score for this variant resulted in a classification of benign for this disease.

Breakthrough Genomics
Classification: Benign. Review status: criteria provided, single submitter. Criteria: ACMG Guidelines, 2015. Collection method: not provided. Allele origin: germline. Inheritance: Autosomal recessive inheritance. Affected: yes.

NM_022369.4(STRA6):c.*569T>C

Gene: STRA6 (signaling receptor and transporter of retinol STRA6; minus strand). Cytogenetic location: 15q24.1.
Variant type: single nucleotide variant.
Coding change: c.*569T>C on transcript NM_022369.4 (MANE Select); 569 bases downstream of the stop codon, T replaced by C.
Molecular consequence: 3 prime UTR variant.
Genome position (GRCh38, 1-based): chr15:74,179,511, A>G on the plus strand (T>C on the coding strand, the complement: STRA6 is on the minus strand). VCF-style: chr15-74179511-A-G. GRCh37 (hg19) VCF-style: chr15-74471852-A-G.
Other names: c.*569T>C (NM_001142617.2, NM_001142618.2, NM_001142619.2 and 3 more transcripts).
Identifiers: ClinVar variation 317079 (VCV000317079.6), dbSNP rs78299262, ClinGen allele CA10642541.